The following is an entry in ClinVar:

ClinVar aggregate classification (germline): Uncertain significance (1 of 4 stars; one submission).

Conditions:
Charcot-Marie-Tooth disease type 4. Also called: Charcot-Marie-Tooth disease, type IV; Charcot-Marie-Tooth, Type 4. Identifiers: Orphanet 64749, MedGen C4082197, MONDO:0018995.

Allele frequency attached by ClinVar (database versions not stated): ExAC 0.00001; gnomAD 0.00001; gnomAD exomes 0.00001; TOPMed 0.00001.

Submission:

Labcorp Genetics (formerly Invitae), Labcorp
Classification: Uncertain significance for Charcot-Marie-Tooth disease type 4. Last evaluated: 2022-06-16. Review status: criteria provided, single submitter. Criteria: Invitae Variant Classification Sherloc (09022015). Collection method: clinical testing. Allele origin: germline.
Comment: In summary, the available evidence is currently insufficient to determine the role of this variant in disease. Therefore, it has been classified as a Variant of Uncertain Significance. Algorithms developed to predict the effect of missense changes on protein structure and function output the following: SIFT: "Tolerated"; PolyPhen-2: "Benign"; Align-GVGD: "Class C0". The threonine amino acid residue is found in multiple mammalian species, which suggests that this missense change does not adversely affect protein function. This variant has not been reported in the literature in individuals affected with PRX-related conditions. This variant is present in population databases (rs764686564, gnomAD 0.001%). This sequence change replaces methionine, which is neutral and non-polar, with threonine, which is neutral and polar, at codon 1343 of the PRX protein (p.Met1343Thr).

NM_181882.3(PRX):c.4028T>C (p.Met1343Thr)

Gene: PRX (periaxin; minus strand). Cytogenetic location: 19q13.2.
Variant type: single nucleotide variant.
Coding change: c.4028T>C on transcript NM_181882.3 (MANE Select); coding-DNA position 4028, T replaced by C.
Protein change: p.Met1343Thr; replaces methionine 1343 with threonine.
Molecular consequence: missense variant. On other transcripts: 3 prime UTR variant (1).
Genome position (GRCh38, 1-based): chr19:40,394,324, A>G on the plus strand (T>C on the coding strand, the complement: PRX is on the minus strand). VCF-style: chr19-40394324-A-G. GRCh37 (hg19) VCF-style: chr19-40900231-A-G.
Other names: c.4313T>C, p.Met1438Thr (NM_001411127.1); c.*4233T>C (NM_020956.2); short protein forms M1343T, M1438T.
Identifiers: ClinVar variation 2420205 (VCV002420205.6), dbSNP rs764686564, ClinGen allele CA9443721.